The following is an entry in ClinVar:

NM_000081.4(LYST):c.3631A>C (p.Ser1211Arg)

Gene: LYST (lysosomal trafficking regulator; minus strand). Cytogenetic location: 1q42.3.
Variant type: single nucleotide variant.
Coding change: c.3631A>C on transcript NM_000081.4 (MANE Select); coding-DNA position 3631, A replaced by C.
Protein change: p.Ser1211Arg; replaces serine 1211 with arginine.
Molecular consequence: missense variant.
Genome position (GRCh38, 1-based): chr1:235,802,989, T>G on the plus strand (A>C on the coding strand, the complement: LYST is on the minus strand). VCF-style: chr1-235802989-T-G. GRCh37 (hg19) VCF-style: chr1-235966289-T-G.
Other names: c.3631A>C, p.Ser1211Arg (NM_001301365.1); short protein forms S1211R.
Identifiers: ClinVar variation 1509699 (VCV001509699.5), dbSNP rs201331643, ClinGen allele CA1467026.

ClinVar aggregate classification (germline): Uncertain significance (1 of 4 stars; one submission).

Conditions:
Chédiak-Higashi syndrome (CHS). Also called: Chediak-Higashi Syndrome. Identifiers: Orphanet 167, MedGen C0007965, MONDO:0008963, OMIM 214500.

Allele frequency attached by ClinVar (database versions not stated): gnomAD 0.00001; 1000 Genomes Project 0.00020; 1000 Genomes Project 30x 0.00031.
gnomAD v4.1: 8 of 1,613,398 alleles (0.0005%); highest among the groups gnomAD compares: East Asian, 0.018%; no homozygotes.

Submission:

Labcorp Genetics (formerly Invitae), Labcorp
Classification: Uncertain significance for Chédiak-Higashi syndrome. Last evaluated: 2021-08-28. Review status: criteria provided, single submitter. Criteria: Invitae Variant Classification Sherloc (09022015). Collection method: clinical testing. Allele origin: germline.
Comment: This sequence change replaces serine with arginine at codon 1211 of the LYST protein (p.Ser1211Arg). The serine residue is weakly conserved and there is a moderate physicochemical difference between serine and arginine. This variant is present in population databases (rs201331643, ExAC 0.01%). This variant has not been reported in the literature in individuals affected with LYST-related conditions. Algorithms developed to predict the effect of missense changes on protein structure and function (SIFT, PolyPhen-2, Align-GVGD) all suggest that this variant is likely to be tolerated. In summary, the available evidence is currently insufficient to determine the role of this variant in disease. Therefore, it has been classified as a Variant of Uncertain Significance.